The following is an entry in ClinVar:

ClinVar aggregate classification (germline): Pathogenic (1 of 4 stars; one submission).

Submission:

GeneDx
Classification: Pathogenic. Last evaluated: 2024-08-29. Review status: criteria provided, single submitter. Criteria: GeneDx Variant Classification Process June 2021. Collection method: clinical testing. Allele origin: germline. Affected: yes.
Comment: Frameshift variant predicted to result in protein truncation or nonsense mediated decay in a gene for which loss-of-function is a known mechanism of disease; Not observed at significant frequency in large population cohorts (gnomAD); This variant is associated with the following publications: (PMID: 16575836, 25596152, 33763395)

NM_000214.3(JAG1):c.270del (p.Cys92fs)

Gene: JAG1 (jagged canonical Notch ligand 1; minus strand). Cytogenetic location: 20p12.2.
Variant type: Deletion.
Coding change: c.270del on transcript NM_000214.3 (MANE Select); coding-DNA position 270, one base deleted (G; older notation c.270delG).
Protein change: p.Cys92fs; shifts the reading frame from cysteine 92.
Molecular consequence: frameshift variant.
Genome position (GRCh38, 1-based): chr20:10,672,818, C deleted on the plus strand (G on the coding strand, the reverse complement: JAG1 is on the minus strand); the first of 6 consecutive C bases (chr20:10,672,818-10,672,823); deleting any one gives the same sequence. VCF-style (leftmost placement, unchanged base first): chr20-10672817-GC-G. GRCh37 (hg19) VCF-style: chr20-10653465-GC-G.
Other names: short protein forms C92fs.
Identifiers: ClinVar variation 3766062 (VCV003766062.1).
Genomic context (GRCh38, chr20:10,672,817, plus strand): 5'-CCTTGAGGTTGAAGGTGTTGCCCCCGATGACAGGCGTGGACCCTGAGCCGAAGCTGCAGG[GC>G]CCCCCGGCCGTGACGCGGGACTGATACTCCTTGAGGCACACTTTGAAGTATGTGTCACAC-3'